The following is an entry in ClinVar:

ClinVar aggregate classification (germline): Uncertain significance (1 of 4 stars; one submission).

Submission:

GeneDx
Classification: Uncertain significance. Last evaluated: 2026-03-04. Review status: criteria provided, single submitter. Criteria: GeneDx Variant Classification Process June 2021. Collection method: clinical testing. Allele origin: germline.
Comment: Not observed at significant frequency in large population cohorts (gnomAD); In silico analysis supports that this missense variant has a deleterious effect on protein structure/function; Has not been previously published as pathogenic or benign to our knowledge

NM_001999.4(FBN2):c.6407G>C (p.Trp2136Ser)

Gene: FBN2 (fibrillin 2; minus strand). Cytogenetic location: 5q23.3.
Variant type: single nucleotide variant.
Coding change: c.6407G>C on transcript NM_001999.4 (MANE Select); coding-DNA position 6407, G replaced by C.
Protein change: p.Trp2136Ser; replaces tryptophan 2136 with serine.
Molecular consequence: missense variant.
Genome position (GRCh38, 1-based): chr5:128,290,770, C>G on the plus strand (G>C on the coding strand, the complement: FBN2 is on the minus strand). VCF-style: chr5-128290770-C-G. GRCh37 (hg19) VCF-style: chr5-127626462-C-G.
Other names: short protein forms W2136S.
Identifiers: ClinVar variation 5008409 (VCV005008409.1).
Genomic context (GRCh38, chr5:128,290,770, plus strand): 5'-CTGATGATGTCATTGCTCTTACCTTCATCGTCTTTGGGGCACAGCTCACAGGGGTCCCCC[C>G]AGCCCTCTCCTGGCATCTTACTACAGCAGCATTTTGCTTTTGTGGTGTTGAAAGCTTTGG-3'
Protein context (NP_001990.2, residues 2126-2146): CCCSKMPGEG[Trp2136Ser]GDPCELCPKD